The following is an entry in ClinVar:

ClinVar aggregate classification (germline): Pathogenic (1 of 4 stars; one submission).

Conditions:
Developmental and epileptic encephalopathy, 9 (DEE9). Also called: EPILEPSY, FEMALE-RESTRICTED, WITH MENTAL RETARDATION; PCDH19-Related X-Linked Female-Limited Epilepsy with Mental Retardation; Early infantile epileptic encephalopathy 9; JUBERG-HELLMAN SYNDROME. Identifiers: Orphanet 101039, Orphanet 2076, MedGen C1848137, MONDO:0010246, OMIM 300088. Disease mechanism: loss of function.

Submission:

Labcorp Genetics (formerly Invitae), Labcorp
Classification: Pathogenic for Developmental and epileptic encephalopathy, 9. Last evaluated: 2023-08-07. Review status: criteria provided, single submitter. Criteria: Invitae Variant Classification Sherloc (09022015). Collection method: clinical testing. Allele origin: germline.
Comment: This sequence change replaces glutamic acid, which is acidic and polar, with lysine, which is basic and polar, at codon 140 of the PCDH19 protein (p.Glu140Lys). This variant is not present in population databases (gnomAD no frequency). This missense change has been observed in individual(s) with clinical features of PCDH19-related conditions (Invitae). In at least one individual the variant was observed to be de novo. Advanced modeling of protein sequence and biophysical properties (such as structural, functional, and spatial information, amino acid conservation, physicochemical variation, residue mobility, and thermodynamic stability) performed at Invitae indicates that this missense variant is expected to disrupt PCDH19 protein function. For these reasons, this variant has been classified as Pathogenic.

NM_001184880.2(PCDH19):c.418G>A (p.Glu140Lys)

Gene: PCDH19 (protocadherin 19; minus strand). Cytogenetic location: Xq22.1.
Variant type: single nucleotide variant.
Coding change: c.418G>A on transcript NM_001184880.2 (MANE Select); coding-DNA position 418, G replaced by A.
Protein change: p.Glu140Lys; replaces glutamic acid 140 with lysine.
Molecular consequence: missense variant.
Genome position (GRCh38, 1-based): chrX:100,408,180, C>T on the plus strand (G>A on the coding strand, the complement: PCDH19 is on the minus strand). VCF-style: chrX-100408180-C-T. GRCh37 (hg19) VCF-style: chrX-99663178-C-T.
Other names: c.418G>A, p.Glu140Lys (NM_001105243.2, NM_020766.3); short protein forms E140K.
Identifiers: ClinVar variation 2829184 (VCV002829184.3), dbSNP rs2520994737, ClinGen allele CA414009784.